The following is an entry in ClinVar:

NM_201525.4(ADGRG1):c.428G>A (p.Trp143Ter)

Gene: ADGRG1 (adhesion G protein-coupled receptor G1; plus strand). Cytogenetic location: 16q21.
Variant type: single nucleotide variant.
Coding change: c.428G>A on transcript NM_201525.4 (MANE Select); coding-DNA position 428, G replaced by A.
Protein change: p.Trp143Ter; replaces tryptophan 143 with a stop codon.
Molecular consequence: nonsense. On other transcripts: 5 prime UTR variant (5), intron variant (1).
Genome position (GRCh38, 1-based): chr16:57,651,563, G>A. VCF-style: chr16-57651563-G-A. GRCh37 (hg19) VCF-style: chr16-57685475-G-A.
Other names: c.428G>A, p.Trp143Ter (NM_001145770.3, NM_001145771.3, NM_001145772.3 and 16 more transcripts); c.443G>A, p.Trp148Ter (NM_001145773.3, NM_001370433.1); c.-98G>A (NM_001290143.2, NM_001290144.2, NM_001370451.1 and 2 more transcripts); c.272G>A, p.Trp91Ter (NM_001370442.1); c.110+318G>A (NM_001290142.2); short protein forms W148*, W91*, W143*.
Identifiers: ClinVar variation 2784492 (VCV002784492.3), dbSNP rs2545114959, ClinGen allele CA396043908.

ClinVar aggregate classification (germline): Pathogenic (1 of 4 stars; one submission).

Submission:

Labcorp Genetics (formerly Invitae), Labcorp
Classification: Pathogenic. Last evaluated: 2023-05-10. Review status: criteria provided, single submitter. Criteria: Invitae Variant Classification Sherloc (09022015). Collection method: clinical testing. Allele origin: germline.
Comment: For these reasons, this variant has been classified as Pathogenic. This premature translational stop signal has been observed in individual(s) with polymicrogyria (PMID: 23274687). This variant is not present in population databases (gnomAD no frequency). This sequence change creates a premature translational stop signal (p.Trp143*) in the ADGRG1 gene. It is expected to result in an absent or disrupted protein product. Loss-of-function variants in ADGRG1 are known to be pathogenic (PMID: 15044805, 20929962).

Literature cited by the submitters: PubMed 23274687; PubMed 15044805; PubMed 20929962.